The following is an entry in ClinVar:

NM_206933.4(USH2A):c.1876C>T (p.Arg626Ter)

Gene: USH2A (usherin; minus strand). Cytogenetic location: 1q41.
Variant type: single nucleotide variant.
Coding change: c.1876C>T on transcript NM_206933.4 (MANE Select); coding-DNA position 1876, C replaced by T.
Protein change: p.Arg626Ter; replaces arginine 626 with a stop codon.
Molecular consequence: nonsense.
Genome position (GRCh38, 1-based): chr1:216,289,375, G>A on the plus strand (C>T on the coding strand, the complement: USH2A is on the minus strand). VCF-style: chr1-216289375-G-A. GRCh37 (hg19) VCF-style: chr1-216462717-G-A.
Other names: c.1876C>T, p.Arg626Ter (NM_007123.6); short protein forms R626*.
Identifiers: ClinVar variation 497414 (VCV000497414.65), dbSNP rs534534437, ClinGen allele CA1396371.

ClinVar aggregate classification (germline): Pathogenic. Review status: criteria provided, multiple submitters, no conflicts (2 of 4 stars). 20 submissions from 19 submitters: Pathogenic (20). Last evaluated 2026-02-14.

Conditions:
Usher syndrome. Also called: Usher's syndrome; Usher Syndromes. Identifiers: Orphanet 886, MedGen CN469326, MeSH D052245, MONDO:0019501. Disease mechanism: loss of function.
USH2A-related disorder. Also called: USH2A-related disorders; USH2A-related condition. Identifiers: MedGen CN239332.
Retinal dystrophy. Also called: Inherited retinal dystrophy. Identifiers: Orphanet 71862, MedGen C0854723, MeSH D058499, MONDO:0019118, HP:0000556.
Usher syndrome type 2A. Also called: USHER SYNDROME, TYPE IIA; RETINAL DISEASE IN USHER SYNDROME TYPE IIA, MODIFIER OF. Identifiers: Orphanet 231178, Orphanet 886, MedGen C1848634, MONDO:0010169, OMIM 276901.
Retinitis pigmentosa 39 (RP39). Identifiers: Orphanet 791, MedGen C3151138, MONDO:0013436, OMIM 613809.
Ear malformation. Also called: CUP EAR; Abnormality of the ear. Identifiers: MedGen C0266589, MONDO:0007500, OMIM 128600, HP:0000598.

Allele frequency attached by ClinVar (database versions not stated): ExAC 0.00001; gnomAD 0.00001; TOPMed 0.00002; gnomAD exomes 0.00003.
gnomAD v4.1: 39 of 1,613,790 alleles (0.0024%); highest among the groups gnomAD compares: Middle Eastern, 0.016%; no homozygotes.

Submissions 1 to 17 of 20:

PreventionGenetics, part of Exact Sciences
Classification: Pathogenic for USH2A-related condition. Last evaluated: 2026-02-14. Review status: criteria provided, single submitter. Criteria: ACMG Guidelines, 2015. Collection method: clinical testing. Allele origin: germline.
Comment: The USH2A c.1876C>T variant is predicted to result in premature protein termination (p.Arg626*). This variant has been reported in individuals with Usher syndrome or inherited retinal disease (Weston et al. 2000. PubMed ID: 10729113; Seyedahmadi et al. 2004. PubMed ID: 15325563; Lenassi et al. 2015. PubMed ID: 25649381; Table S1, Lin et al. 2024. PubMed ID: 38219857). This variant is reported in 0.0062% of alleles in individuals of European (Non-Finnish) descent in gnomAD. Nonsense variants in USH2A are expected to be pathogenic. This variant is interpreted as pathogenic.

Dasa
Classification: Pathogenic for Usher syndrome type 2A. Last evaluated: 2026-01-21. Review status: criteria provided, single submitter. Criteria: DASA Assertion Criteria. Collection method: clinical testing. Allele origin: germline.
Comment: NM_206933.4(USH2A):c.1876C>T (p.Arg626Ter) is a nonsense variant in USH2A predicted to introduce a premature termination codon and is predicted to result in an absent or altered protein product. Loss of function is an established disease mechanism for USH2A-associated disorders. This variant has been recurrently observed in individuals with USH2A-related disorders (PMID: 35870892; PMID: 21738395; PMID: 21686329). Also, this variant is rare in population databases. Based on the currently available evidence, this variant is classified as pathogenic.

Labcorp Genetics (formerly Invitae), Labcorp
Classification: Pathogenic. Last evaluated: 2025-12-09. Review status: criteria provided, single submitter. Criteria: Invitae Variant Classification Sherloc (09022015). Collection method: clinical testing. Allele origin: germline.
Comment: This sequence change creates a premature translational stop signal (p.Arg626*) in the USH2A gene. It is expected to result in an absent or disrupted protein product. Loss-of-function variants in USH2A are known to be pathogenic (PMID: 10729113, 10909849, 20507924, 25649381). This variant is present in population databases (rs534534437, gnomAD 0.004%). This premature translational stop signal has been observed in individuals with USH2A-related conditions (PMID: 10729113, 15823922, 21686329, 25649381). ClinVar contains an entry for this variant (Variation ID: 497414). For these reasons, this variant has been classified as Pathogenic.

Natera, Inc.
Classification: Pathogenic for Usher syndrome type 2A. Last evaluated: 2025-07-31. Review status: criteria provided, single submitter. Criteria: Natera Variant Classification Schema (03/2026). Collection method: clinical testing. Allele origin: germline.
Comment: The c.1876C>T variant in USH2A is a nonsense variant predicted to introduce a stop codon at amino acid 626. This variant is expected to result in nonsense mediated decay, truncation, or a dysfunctional protein product. This variant is rare in the general population with a frequency below the threshold expected for the associated phenotype(s). This variant has been observed in one or more individuals affected with the associated recessive disease, as either homozygous or compound heterozygous with a second variant (PMID: 27318125, 15325563). Given the available evidence, this variant is classified as Pathogenic.

Victorian Clinical Genetics Services, Murdoch Childrens Research Institute
Classification: Pathogenic for Usher syndrome type 2A. Last evaluated: 2025-02-21. Review status: criteria provided, single submitter. Criteria: ACMG Guidelines, 2015. Collection method: clinical testing. Allele origin: germline. Affected: yes.
Comment: This variant is classified as Pathogenic. Evidence in support of pathogenic classification: Variant is predicted to cause nonsense-mediated decay (NMD) and loss of protein (premature termination codon is located at least 54 nucleotides upstream of the final exon-exon junction); Variant is present in gnomAD <0.01 for a recessive condition (v4: 39 heterozygote(s), 0 homozygote(s)); This variant has strong previous evidence of pathogenicity in unrelated individuals. The variant has been previously reported in patients with Usher syndrome and retinitis pigmentosa (ClinVar, PMID: 27460420); Many other NMD predicted variants comparable to the one identified in this case have very strong previous evidence for pathogenicity (ClinVar). Additional information: This variant is heterozygous; This gene is associated with autosomal recessive disease; Loss of function is a known mechanism of disease in this gene and is associated with Usher syndrome, type 2A (MIM#276901) and retinitis pigmentosa (RP; MIM#6138093). Null variants are associated with Usher syndrome, while homozygous missense variants which lead to partially functional proteins typically cause non-syndromic RP (PMID: 20301515); Inheritance information for this variant is not currently available in this individual.

Blueprint Genetics
Classification: Pathogenic for USH2A-related disorders. Last evaluated: 2024-08-26. Review status: criteria provided, single submitter. Criteria: ACMG Guidelines, 2015. Collection method: clinical testing. Allele origin: germline. Affected: yes. Observed: 5 variant alleles.

Institute of Medical Genetics and Applied Genomics, University Hospital Tübingen
Classification: Pathogenic for Usher syndrome type 2A. Last evaluated: 2024-08-22. Review status: criteria provided, single submitter. Criteria: ACMG Guidelines, 2015. Collection method: clinical testing. Allele origin: germline. Inheritance: Autosomal recessive inheritance. Affected: yes.

Baylor Genetics
Classification: Pathogenic for Retinitis pigmentosa 39. Last evaluated: 2024-03-08. Review status: criteria provided, single submitter. Criteria: ACMG Guidelines, 2015. Collection method: clinical testing. Allele origin: unknown.

Fulgent Genetics
Classification: Pathogenic for Usher syndrome type 2A; Retinitis pigmentosa 39. Last evaluated: 2024-01-11. Review status: criteria provided, single submitter. Criteria: ACMG Guidelines, 2015. Collection method: clinical testing. Allele origin: germline.

Genome-Nilou Lab
Classification: Pathogenic for Retinitis pigmentosa 39. Last evaluated: 2023-11-04. Review status: criteria provided, single submitter. Criteria: ACMG Guidelines, 2015. Collection method: clinical testing. Allele origin: germline. Affected: no.

Genome-Nilou Lab
Classification: Pathogenic for Usher syndrome type 2A. Last evaluated: 2023-11-04. Review status: criteria provided, single submitter. Criteria: ACMG Guidelines, 2015. Collection method: clinical testing. Allele origin: germline. Affected: no.

Dept Of Ophthalmology, Nagoya University
Classification: Pathogenic for Retinal dystrophy. Last evaluated: 2023-10-01. Review status: criteria provided, single submitter. Criteria: Submitter's publication. Collection method: research. Allele origin: germline. Affected: yes.

Institute of Human Genetics, Univ. Regensburg, Univ. Regensburg
Classification: Pathogenic for Retinal dystrophy. Last evaluated: 2023-01-01. Review status: criteria provided, single submitter. Criteria: ACMG Guidelines, 2015. Collection method: clinical testing. Allele origin: germline. Affected: yes.

GeneDx
Classification: Pathogenic. Last evaluated: 2022-08-05. Review status: criteria provided, single submitter. Criteria: GeneDx Variant Classification Process June 2021. Collection method: clinical testing. Allele origin: germline. Affected: yes.
Comment: Nonsense variant predicted to result in protein truncation or nonsense mediated decay in a gene for which loss-of-function is a known mechanism of disease; Not observed at significant frequency in large population cohorts (gnomAD); This variant is associated with the following publications: (PMID: 10729113, 25525159, 25649381, 18665195, 32531858, 15325563, 21686329, 27460420, 15025721, 26338283, 10909849, 27318125, 15823922, 29588463, 28559085, 29625443, 31266775, 33089500, 32675063, 33576794, 33090715, 32037395, 34948090, 35870892, 34781295)

Kariminejad - Najmabadi Pathology & Genetics Center
Classification: Pathogenic for Ear malformation. Last evaluated: 2021-07-10. Review status: criteria provided, single submitter. Criteria: ACMG Guidelines, 2015. Collection method: clinical testing. Allele origin: germline. Affected: yes.

Revvity Omics, Revvity
Classification: Pathogenic. Last evaluated: 2021-06-17. Review status: criteria provided, single submitter. Criteria: ACMG Guidelines, 2015. Collection method: clinical testing. Allele origin: germline.

Ocular Genomics Institute, Massachusetts Eye and Ear
Classification: Pathogenic for Retinitis pigmentosa 39. Last evaluated: 2021-04-08. Review status: criteria provided, single submitter. Criteria: ACMG Guidelines, 2015. Collection method: research. Allele origin: germline. Affected: yes.
Comment: Through a review of available evidence we were able to apply the following criteria: PVS1, PM2, PM3, PP1, PP3. Based on this evidence we have classified this variant as Pathogenic.